The following is an entry in ClinVar:

ClinVar aggregate classification (germline): Uncertain significance. Review status: criteria provided, multiple submitters, no conflicts (2 of 4 stars). 2 submissions from 2 submitters: Uncertain significance (2). Last evaluated 2021-10-19.

Conditions:
Hereditary cancer-predisposing syndrome. Also called: Tumor predisposition; Hereditary neoplastic syndrome; Neoplastic Syndromes, Hereditary; Hereditary Cancer Syndrome. Identifiers: Orphanet 140162, MedGen C0027672, MeSH D009386, MONDO:0015356.
Oligodontia-cancer predisposition syndrome. Also called: TOOTH AGENESIS-COLORECTAL CANCER SYNDROME. Identifiers: Orphanet 300576, MedGen C1837750, MONDO:0012075, OMIM 608615. Disease mechanism: loss of function.

Submissions (2):

Labcorp Genetics (formerly Invitae), Labcorp
Classification: Uncertain significance for Oligodontia-cancer predisposition syndrome. Last evaluated: 2021-10-19. Review status: criteria provided, single submitter. Criteria: Invitae Variant Classification Sherloc (09022015). Collection method: clinical testing. Allele origin: germline.
Comment: This variant is not present in population databases (ExAC no frequency). In summary, the available evidence is currently insufficient to determine the role of this variant in disease. Therefore, it has been classified as a Variant of Uncertain Significance. Algorithms developed to predict the effect of missense changes on protein structure and function are either unavailable or do not agree on the potential impact of this missense change (SIFT: "Tolerated"; PolyPhen-2: "Probably Damaging"; Align-GVGD: "Class C0"). This variant has not been reported in the literature in individuals affected with AXIN2-related conditions. This sequence change replaces asparagine with aspartic acid at codon 115 of the AXIN2 protein (p.Asn115Asp). The asparagine residue is highly conserved and there is a small physicochemical difference between asparagine and aspartic acid.

Ambry Genetics
Classification: Uncertain significance for Hereditary cancer-predisposing syndrome. Last evaluated: 2021-09-01. Review status: criteria provided, single submitter. Criteria: Ambry Variant Classification Scheme 2023. Collection method: clinical testing. Allele origin: germline.
Comment: The p.N115D variant (also known as c.343A>G), located in coding exon 1 of the AXIN2 gene, results from an A to G substitution at nucleotide position 343. The asparagine at codon 115 is replaced by aspartic acid, an amino acid with highly similar properties. This amino acid position is conserved. In addition, this alteration is predicted to be tolerated by in silico analysis. Since supporting evidence is limited at this time, the clinical significance of this alteration remains unclear.

NM_004655.4(AXIN2):c.343A>G (p.Asn115Asp)

Gene: AXIN2 (axin 2; minus strand). Cytogenetic location: 17q24.1.
Variant type: single nucleotide variant.
Coding change: c.343A>G on transcript NM_004655.4 (MANE Select); coding-DNA position 343, A replaced by G.
Protein change: p.Asn115Asp; replaces asparagine 115 with aspartic acid.
Molecular consequence: missense variant.
Genome position (GRCh38, 1-based): chr17:65,558,278, T>C on the plus strand (A>G on the coding strand, the complement: AXIN2 is on the minus strand). VCF-style: chr17-65558278-T-C. GRCh37 (hg19) VCF-style: chr17-63554396-T-C.
Other names: c.343A>G, p.Asn115Asp (NM_001363813.1); short protein forms N115D.
Identifiers: ClinVar variation 1360380 (VCV001360380.8), dbSNP rs2144587567, ClinGen allele CA400681604.